The following is an entry in ClinVar:

ClinVar aggregate classification (germline): Benign. Review status: criteria provided, multiple submitters, no conflicts (2 of 4 stars). 4 submissions from 3 submitters: Benign (4). Last evaluated 2021-07-10.

Conditions:
Autosomal recessive nonsyndromic hearing loss 18A. Also called: DEAFNESS, AUTOSOMAL RECESSIVE 18; Deafness, autosomal recessive 18A. Identifiers: Orphanet 90636, MedGen C1865870, MONDO:0011192, OMIM 602092.
Usher syndrome type 1C. Also called: USHER SYNDROME, TYPE I, ACADIAN VARIETY. Identifiers: Orphanet 231169, Orphanet 886, MedGen C1848604, MONDO:0010171, OMIM 276904.

Allele frequency attached by ClinVar (database versions not stated): ESP Exome Variant Server 0.56777; gnomAD 0.57266 and 0.57966; TOPMed 0.57589; 1000 Genomes Project 30x 0.60665; gnomAD exomes 0.60713 and 0.61616; 1000 Genomes Project 0.61402; ExAC 0.61605.
gnomAD v4.1: 971,962 of 1,607,698 alleles (60%); highest among the groups gnomAD compares: South Asian, 72%; 296,013 homozygotes.

Submissions (4):

Genome-Nilou Lab
Classification: Benign for Usher syndrome type 1C. Last evaluated: 2021-07-10. Review status: criteria provided, single submitter. Criteria: ACMG Guidelines, 2015. Collection method: clinical testing. Allele origin: germline. Affected: no.

Genome-Nilou Lab
Classification: Benign for Autosomal recessive nonsyndromic hearing loss 18A. Last evaluated: 2021-07-10. Review status: criteria provided, single submitter. Criteria: ACMG Guidelines, 2015. Collection method: clinical testing. Allele origin: germline. Affected: no.

GeneDx
Classification: Benign. Last evaluated: 2018-06-14. Review status: criteria provided, single submitter. Criteria: GeneDx Variant Classification (06012015). Collection method: clinical testing. Allele origin: germline. Affected: yes.
Comment: This variant is considered likely benign or benign based on one or more of the following criteria: it is a conservative change, it occurs at a poorly conserved position in the protein, it is predicted to be benign by multiple in silico algorithms, and/or has population frequency not consistent with disease.

Breakthrough Genomics
Classification: Benign. Review status: criteria provided, single submitter. Criteria: ACMG Guidelines, 2015. Collection method: not provided. Allele origin: germline. Inheritance: Autosomal recessive inheritance. Affected: yes.

NM_153676.4(USH1C):c.1086-45A>G

Gene: USH1C (USH1 protein network component harmonin; minus strand). Cytogenetic location: 11p15.1.
Variant type: single nucleotide variant.
Coding change: c.1086-45A>G on transcript NM_153676.4 (MANE Select); 45 bases into the intron before coding-DNA position 1086, A replaced by G.
Molecular consequence: intron variant.
Genome position (GRCh38, 1-based): chr11:17,521,039, T>C on the plus strand (A>G on the coding strand, the complement: USH1C is on the minus strand). VCF-style: chr11-17521039-T-C. GRCh37 (hg19) VCF-style: chr11-17542586-T-C.
Other names: c.1029-45A>G (NM_001297764.2); c.1086-45A>G (NM_005709.4).
Identifiers: ClinVar variation 670415 (VCV000670415.5), dbSNP rs2041031, ClinGen allele CA5904713.
Genomic context (GRCh38, chr11:17,521,039, plus strand): 5'-TTCCTCCTCTACAATCCTAAAATGAGACCCCCATGCCTGTTACTGGAGTCAGAACCCCCA[T>C]AGGCCCATCTCCTGCATATCGGAGAGCCCCAGCCAGCCTGGGGAGAAGCCTCATGGTTCT-3'